The following is an entry in ClinVar:

NM_000051.4(ATM):c.7732G>A (p.Ala2578Thr)

Genes: ATM (ATM serine/threonine kinase; plus strand), C11orf65 (chromosome 11 open reading frame 65; minus strand). Cytogenetic location: 11q22.3.
Variant type: single nucleotide variant.
Coding change: c.7732G>A on transcript NM_000051.4 (MANE Select); coding-DNA position 7732, G replaced by A.
Protein change: p.Ala2578Thr; replaces alanine 2578 with threonine.
Molecular consequence: missense variant. On other transcripts: intron variant (2).
Genome position (GRCh38, 1-based): chr11:108,331,981, G>A. VCF-style: chr11-108331981-G-A. GRCh37 (hg19) VCF-style: chr11-108202708-G-A.
Other names: c.7732G>A, p.Ala2578Thr (NM_001351834.2); c.641-22910C>T (NM_001330368.2); c.*38+3239C>T (NM_001351110.2); short protein forms A2578T.
Identifiers: ClinVar variation 966100 (VCV000966100.10), dbSNP rs1555124632, ClinGen allele CA382561106.

ClinVar aggregate classification (germline): Uncertain significance (1 of 4 stars; one submission).

Conditions:
Ataxia-telangiectasia syndrome (AT). Also called: Ataxia-telangiectasia, complementation group D; AT, COMPLEMENTATION GROUP C; ATAXIA-TELANGIECTASIA, COMPLEMENTATION GROUP A; ATAXIA-TELANGIECTASIA, FRESNO VARIANT; Ataxia-telangiectasia; Ataxia telangiectasia (A-T). Identifiers: Orphanet 100, MedGen C0004135, MONDO:0008840, OMIM 208900.

Submission:

Labcorp Genetics (formerly Invitae), Labcorp
Classification: Uncertain significance for Ataxia-telangiectasia syndrome. Last evaluated: 2019-10-23. Review status: criteria provided, single submitter. Criteria: Invitae Variant Classification Sherloc (09022015). Collection method: clinical testing. Allele origin: germline.
Comment: In summary, the available evidence is currently insufficient to determine the role of this variant in disease. Therefore, it has been classified as a Variant of Uncertain Significance. Algorithms developed to predict the effect of sequence changes on RNA splicing suggest that this variant may create or strengthen a splice site, but this prediction has not been confirmed by published transcriptional studies. Algorithms developed to predict the effect of missense changes on protein structure and function output the following: SIFT: "Tolerated"; PolyPhen-2: "Benign"; Align-GVGD: "Class C0". The threonine amino acid residue is found in multiple mammalian species, suggesting that this missense change does not adversely affect protein function. These predictions have not been confirmed by published functional studies and their clinical significance is uncertain. This variant has not been reported in the literature in individuals with ATM-related conditions. This variant is not present in population databases (ExAC no frequency). This sequence change replaces alanine with threonine at codon 2578 of the ATM protein (p.Ala2578Thr). The alanine residue is weakly conserved and there is a small physicochemical difference between alanine and threonine.